The following is an entry in ClinVar:

ClinVar aggregate classification (germline): Benign/Likely benign. Review status: criteria provided, multiple submitters, no conflicts (2 of 4 stars). 9 submissions from 8 submitters: Benign (7); Likely benign (2). Last evaluated 2026-02-01.

Conditions:
RYR1-related disorder. Also called: RYR1-related disorders; RYR1-related condition. Identifiers: MedGen CN239331.
Congenital multicore myopathy with external ophthalmoplegia (CMYO1B). Also called: Congenital myopathy 1B, autosomal recessive; Minicore myopathy; MULTICORE MYOPATHY; Minicore myopathy with external ophthalmoplegia; MULTIMINICORE DISEASE WITH EXTERNAL OPHTHALMOPLEGIA. Identifiers: Orphanet 598, Orphanet 98905, MedGen C1850674, MONDO:0009712, OMIM 255320, HP:0003789.
Malignant hyperthermia, susceptibility to, 1 (MHS1). Also called: Anesthesia related hyperthermia; Malignant hyperpyrexia; Fulminating hyperpyrexia; Pharmacogenic myopathy; RYR1-Related Malignant Hyperthermia Susceptibility; Malignant hyperthermia suceptibility 1. Identifiers: Orphanet 423, MedGen C2930980, MONDO:0007783, OMIM 145600.

Allele frequency attached by ClinVar (database versions not stated): ESP Exome Variant Server 0.00546; gnomAD 0.00554 and 0.00515; TOPMed 0.00572; 1000 Genomes Project 30x 0.00781; 1000 Genomes Project 0.00819; ExAC 0.00157.
gnomAD v4.1: 1,516 of 1,613,850 alleles (0.094%); highest among the groups gnomAD compares: African/African-American, 1.8%; 11 homozygotes.

Submissions (9):

Labcorp Genetics (formerly Invitae), Labcorp
Classification: Benign for RYR1-related disorder. Last evaluated: 2026-02-01. Review status: criteria provided, single submitter. Criteria: Invitae Variant Classification Sherloc (09022015). Collection method: clinical testing. Allele origin: germline.

Blueprint Genetics
Classification: Benign. Last evaluated: 2024-10-02. Review status: criteria provided, single submitter. Criteria: ACMG Guidelines, 2015. Collection method: clinical testing. Allele origin: germline.

Color Diagnostics, LLC DBA Color Health
Classification: Benign for Malignant hyperthermia, susceptibility to, 1. Last evaluated: 2022-10-03. Review status: criteria provided, single submitter. Criteria: ACMG Guidelines, 2015. Collection method: clinical testing. Allele origin: germline.

PreventionGenetics, part of Exact Sciences
Classification: Benign. Last evaluated: 2018-03-26. Review status: criteria provided, single submitter. Criteria: ACMG Guidelines, 2015. Collection method: clinical testing. Allele origin: germline.

Illumina Laboratory Services, Illumina
Classification: Benign for Congenital multicore myopathy with external ophthalmoplegia. Last evaluated: 2018-01-13. Review status: criteria provided, single submitter. Criteria: ICSL Variant Classification Criteria 13 December 2019. Collection method: clinical testing. Allele origin: germline.
Comment: This variant was observed in the ICSL laboratory as part of a predisposition screen in an ostensibly healthy population. It had not been previously curated by ICSL or reported in the Human Gene Mutation Database (HGMD: prior to June 1st, 2018), and was therefore a candidate for classification through an automated scoring system. Utilizing variant allele frequency, disease prevalence and penetrance estimates, and inheritance mode, an automated score was calculated to assess if this variant is too frequent to cause the disease. Based on the score and internal cut-off values, a variant classified as benign is not then subjected to further curation. The score for this variant resulted in a classification of benign for this disease.

Illumina Laboratory Services, Illumina
Classification: Benign for Malignant hyperthermia, susceptibility to, 1. Last evaluated: 2018-01-13. Review status: criteria provided, single submitter. Criteria: ICSL Variant Classification Criteria 13 December 2019. Collection method: clinical testing. Allele origin: germline.
Comment: the same text as in the submission from Illumina Laboratory Services, Illumina above.

GeneDx
Classification: Likely benign. Last evaluated: 2017-03-03. Review status: criteria provided, single submitter. Criteria: GeneDx Variant Classification (06012015). Collection method: clinical testing. Allele origin: germline. Affected: yes.
Comment: This variant is considered likely benign or benign based on one or more of the following criteria: it is a conservative change, it occurs at a poorly conserved position in the protein, it is predicted to be benign by multiple in silico algorithms, and/or has population frequency not consistent with disease.

Genetic Services Laboratory, University of Chicago
Classification: Benign. Last evaluated: 2013-02-08. Review status: criteria provided, single submitter. Criteria: ACMG Guidelines, 2007. Collection method: clinical testing. Allele origin: germline. Inheritance: Autosomal unknown.

Breakthrough Genomics
Classification: Likely benign. Review status: criteria provided, single submitter. Criteria: ACMG Guidelines, 2015. Collection method: not provided. Allele origin: germline. Inheritance: Autosomal recessive inheritance. Affected: yes.

NM_000540.3(RYR1):c.8068-14C>T

Gene: RYR1 (ryanodine receptor 1; plus strand). Cytogenetic location: 19q13.2.
Variant type: single nucleotide variant.
Coding change: c.8068-14C>T on transcript NM_000540.3 (MANE Select); 14 bases into the intron before coding-DNA position 8068, C replaced by T.
Molecular consequence: intron variant.
Genome position (GRCh38, 1-based): chr19:38,504,734, C>T. VCF-style: chr19-38504734-C-T. GRCh37 (hg19) VCF-style: chr19-38995374-C-T.
Other names: c.8068-14C>T (NM_001042723.2).
Identifiers: ClinVar variation 159860 (VCV000159860.21), dbSNP rs57376136, ClinGen allele CA024886.